The following is an entry in ClinVar:

ClinVar aggregate classification (germline): Uncertain significance. Review status: criteria provided, multiple submitters, no conflicts (2 of 4 stars). 4 submissions from 4 submitters: Uncertain significance (4). Last evaluated 2024-07-22.

Conditions:
Succinate-semialdehyde dehydrogenase deficiency (SSADHD). Also called: SSADH DEFICIENCY; 4-HYDROXYBUTYRIC ACIDURIA; GABA METABOLIC DEFECT; Succinic Semialdehyde Dehydrogenase Deficiency. Identifiers: Orphanet 22, MedGen C0268631, MONDO:0010083, OMIM 271980.

Allele frequency attached by ClinVar (database versions not stated): ExAC 0.00001; TOPMed 0.00013; gnomAD 0.00016; 1000 Genomes Project 0.00040; 1000 Genomes Project 30x 0.00047.
gnomAD v4.1: 40 of 1,613,982 alleles (0.0025%); highest among the groups gnomAD compares: African/African-American, 0.053%; 1 homozygote.

Submissions (4):

GeneDx
Classification: Uncertain significance. Last evaluated: 2024-07-22. Review status: criteria provided, single submitter. Criteria: GeneDx Variant Classification Process June 2021. Collection method: clinical testing. Allele origin: germline. Affected: yes.
Comment: In silico analysis indicates that this missense variant does not alter protein structure/function; Has not been previously published as pathogenic or benign to our knowledge

Labcorp Genetics (formerly Invitae), Labcorp
Classification: Uncertain significance for Succinate-semialdehyde dehydrogenase deficiency. Last evaluated: 2021-12-16. Review status: criteria provided, single submitter. Criteria: Invitae Variant Classification Sherloc (09022015). Collection method: clinical testing. Allele origin: germline.
Comment: This sequence change replaces histidine, which is basic and polar, with glutamine, which is neutral and polar, at codon 436 of the ALDH5A1 protein (p.His436Gln). This variant is present in population databases (rs199500997, gnomAD 0.04%). This variant has not been reported in the literature in individuals affected with ALDH5A1-related conditions. ClinVar contains an entry for this variant (Variation ID: 579979). Advanced modeling of protein sequence and biophysical properties (such as structural, functional, and spatial information, amino acid conservation, physicochemical variation, residue mobility, and thermodynamic stability) performed at Invitae indicates that this missense variant is not expected to disrupt ALDH5A1 protein function. Algorithms developed to predict the effect of sequence changes on RNA splicing suggest that this variant may create or strengthen a splice site. In summary, the available evidence is currently insufficient to determine the role of this variant in disease. Therefore, it has been classified as a Variant of Uncertain Significance.

New York Genome Center
Classification: Uncertain significance for Succinate-semialdehyde dehydrogenase deficiency. Last evaluated: 2019-12-24. Review status: criteria provided, single submitter. Criteria: NYGC Assertion Criteria 2020. Collection method: clinical testing. Allele origin: germline. Observed: 1 heterozygote. Study: CSER-NYCKidSeq.

Eurofins Ntd Llc (ga)
Classification: Uncertain significance. Last evaluated: 2017-11-01. Review status: criteria provided, single submitter. Criteria: EGL Classification Definitions 2015. Collection method: clinical testing. Allele origin: germline. Observed: 1 variant allele, 1 heterozygote.

NM_001080.3(ALDH5A1):c.1308T>G (p.His436Gln)

Gene: ALDH5A1 (aldehyde dehydrogenase 5 family member A1; plus strand). Cytogenetic location: 6p22.3.
Variant type: single nucleotide variant.
Coding change: c.1308T>G on transcript NM_001080.3 (MANE Select); coding-DNA position 1308, T replaced by G.
Protein change: p.His436Gln; replaces histidine 436 with glutamine.
Molecular consequence: missense variant.
Genome position (GRCh38, 1-based): chr6:24,528,131, T>G. VCF-style: chr6-24528131-T-G. GRCh37 (hg19) VCF-style: chr6-24528359-T-G.
Other names: c.1164T>G, p.His388Gln (NM_001368954.1); c.1347T>G, p.His449Gln (NM_170740.1); short protein forms H436Q, H449Q, H388Q.
Identifiers: ClinVar variation 579979 (VCV000579979.12), dbSNP rs199500997, ClinGen allele CA3656899.